The following is an entry in ClinVar:

ClinVar aggregate classification (germline): Likely benign (1 of 4 stars; one submission).

Conditions:
Cone dystrophy 3 (COD3). Also called: RETINAL CONE DYSTROPHY. Identifiers: Orphanet 1872, MedGen C1865869, MONDO:0011193, OMIM 602093.

Allele frequency attached by ClinVar (database versions not stated): gnomAD 0.00243 and 0.00261; 1000 Genomes Project 0.00260; 1000 Genomes Project 30x 0.00281; TOPMed 0.00290.

Submission:

Illumina Laboratory Services, Illumina
Classification: Likely benign for Cone dystrophy 3. Last evaluated: 2018-01-13. Review status: criteria provided, single submitter. Criteria: ICSL Variant Classification Criteria 13 December 2019. Collection method: clinical testing. Allele origin: germline.
Comment: This variant was observed in the ICSL laboratory as part of a predisposition screen in an ostensibly healthy population. It had not been previously curated by ICSL or reported in the Human Gene Mutation Database (HGMD: prior to June 1st, 2018), and was therefore a candidate for classification through an automated scoring system. Utilizing variant allele frequency, disease prevalence and penetrance estimates, and inheritance mode, an automated score was calculated to assess if this variant is too frequent to cause the disease. Based on the score and internal cut-off values, a variant classified as likely benign is not then subjected to further curation. The score for this variant resulted in a classification of likely benign for this disease.

NM_001384910.1(GUCA1A):c.*627T>A

Genes: GUCA1ANB-GUCA1A (GUCA1ANB-GUCA1A readthrough; plus strand), GUCA1A (guanylate cyclase activator 1A; plus strand). Cytogenetic location: 6p21.1.
Variant type: single nucleotide variant.
Coding change: c.*627T>A on transcript NM_001384910.1 (MANE Select); 627 bases downstream of the stop codon, T replaced by A.
Molecular consequence: 3 prime UTR variant.
Genome position (GRCh38, 1-based): chr6:42,180,030, T>A. VCF-style: chr6-42180030-T-A. GRCh37 (hg19) VCF-style: chr6-42147768-T-A.
Other names: c.*627T>A (NM_000409.5, NM_001319061.2, NM_001319062.2).
Identifiers: ClinVar variation 356699 (VCV000356699.5), dbSNP rs56285673, ClinGen allele CA10626679.